The following is an entry in ClinVar:

ClinVar aggregate classification (germline): Uncertain significance (1 of 4 stars; one submission).

gnomAD v4.1: 1 of 1,139,254 alleles (0.000088%); highest among the groups gnomAD compares: Non-Finnish European, 0.00012%; no homozygotes.

Submission:

GeneDx
Classification: Uncertain significance. Last evaluated: 2022-09-16. Review status: criteria provided, single submitter. Criteria: GeneDx Variant Classification Process June 2021. Collection method: clinical testing. Allele origin: germline. Affected: yes.
Comment: Not observed at significant frequency in large population cohorts (gnomAD); In silico analysis supports that this missense variant does not alter protein structure/function; Has not been previously published as pathogenic or benign to our knowledge

NM_012310.5(KIF4A):c.1675G>A (p.Asp559Asn)

Gene: KIF4A (kinesin family member 4A; plus strand). Cytogenetic location: Xq13.1.
Variant type: single nucleotide variant.
Coding change: c.1675G>A on transcript NM_012310.5 (MANE Select); coding-DNA position 1675, G replaced by A.
Protein change: p.Asp559Asn; replaces aspartic acid 559 with asparagine.
Molecular consequence: missense variant.
Genome position (GRCh38, 1-based): chrX:70,374,151, G>A. VCF-style: chrX-70374151-G-A. GRCh37 (hg19) VCF-style: chrX-69594001-G-A.
Other names: short protein forms D559N.
Identifiers: ClinVar variation 2446219 (VCV002446219.1), dbSNP rs1280981607, ClinGen allele CA413478972.